The following is an entry in ClinVar:

NM_001458.5(FLNC):c.7780+2T>A

Genes: FLNC (filamin C; plus strand), FLNC-AS1 (FLNC antisense RNA 1; minus strand). Cytogenetic location: 7q32.1.
Variant type: single nucleotide variant.
Coding change: c.7780+2T>A on transcript NM_001458.5 (MANE Select); the canonical splice donor site of the intron after coding-DNA position 7780, T replaced by A.
Molecular consequence: splice donor variant.
Genome position (GRCh38, 1-based): chr7:128,857,338, T>A. VCF-style: chr7-128857338-T-A. GRCh37 (hg19) VCF-style: chr7-128497392-T-A.
Other names: c.7681+2T>A (NM_001127487.2).
Identifiers: ClinVar variation 2017760 (VCV002017760.4), dbSNP rs1809110247, ClinGen allele CA369219990.

ClinVar aggregate classification (germline): Likely pathogenic (1 of 4 stars; one submission).

Conditions:
Myofibrillar myopathy 5. Also called: Filaminopathy (type); FILAMINOPATHY, AUTOSOMAL DOMINANT. Identifiers: Orphanet 171445, MedGen C1836050, MONDO:0012289, OMIM 609524.
Distal myopathy with posterior leg and anterior hand involvement. Also called: WILLIAMS DISTAL MYOPATHY. Identifiers: Orphanet 63273, MedGen C3279722, MONDO:0013550, OMIM 614065.
Hypertrophic cardiomyopathy 26. Also called: Cardiomyopathy, familial hypertrophic, 26. Identifiers: Orphanet 75249, MedGen C4310749, MONDO:0014883, OMIM 617047.

Submission:

Labcorp Genetics (formerly Invitae), Labcorp
Classification: Likely pathogenic for Distal myopathy with posterior leg and anterior hand involvement; Myofibrillar myopathy 5; Hypertrophic cardiomyopathy 26. Last evaluated: 2022-07-17. Review status: criteria provided, single submitter. Criteria: Invitae Variant Classification Sherloc (09022015). Collection method: clinical testing. Allele origin: germline.
Comment: This sequence change affects a donor splice site in intron 46 of the FLNC gene. It is expected to disrupt RNA splicing. Variants that disrupt the donor or acceptor splice site typically lead to a loss of protein function (PMID: 16199547), and loss-of-function variants in FLNC are known to be pathogenic (PMID: 27908349). This variant is not present in population databases (gnomAD no frequency). This variant has not been reported in the literature in individuals affected with FLNC-related conditions. Algorithms developed to predict the effect of sequence changes on RNA splicing suggest that this variant may disrupt the consensus splice site. In summary, the currently available evidence indicates that the variant is pathogenic, but additional data are needed to prove that conclusively. Therefore, this variant has been classified as Likely Pathogenic.

Literature cited by the submitters: PubMed 16199547; PubMed 27908349.